The following is an entry in ClinVar:

NM_003383.5(VLDLR):c.1809C>T (p.Asn603=)

Gene: VLDLR (very low density lipoprotein receptor; plus strand). Cytogenetic location: 9p24.2.
Variant type: single nucleotide variant.
Coding change: c.1809C>T on transcript NM_003383.5 (MANE Select); coding-DNA position 1809, C replaced by T.
Protein change: p.Asn603=; no amino-acid change (asparagine 603 retained).
Molecular consequence: synonymous variant.
Genome position (GRCh38, 1-based): chr9:2,647,579, C>T. VCF-style: chr9-2647579-C-T. GRCh37 (hg19) VCF-style: chr9-2647579-C-T.
Other names: c.1809C>T, p.Asn603= (NM_001018056.3); c.1686C>T, p.Asn562= (NM_001322225.2, NM_001322226.2).
Identifiers: ClinVar variation 378855 (VCV000378855.50), dbSNP rs6147, ClinGen allele CA4964937.

ClinVar aggregate classification (germline): Conflicting classifications of pathogenicity. Review status: criteria provided, conflicting classifications (1 of 4 stars). 6 submissions from 6 submitters: Uncertain significance (1); Benign (1); Likely benign (3). 1 of the submissions does not count toward it. Last evaluated 2026-07-01.

Conditions:
Cerebellar ataxia, impaired intellectual development, and dysequilibrium syndrome 1. Also called: Cerebellar hypoplasia and mental retardation with or without quadrupedal locomotion 1; Cerebellar ataxia, mental retardation, and dysequilibrium syndrome 1; Cerebellar ataxia, intellectual disability, and dysequilibrium syndrome 1; VLDLR Cerebellar Hypoplasia; CEREBELLAR ATAXIA AND MENTAL RETARDATION WITH OR WITHOUT QUADRUPEDAL LOCOMOTION 1; CEREBELLAR ATAXIA, CONGENITAL, AND MENTAL RETARDATION, AUTOSOMAL RECESSIVE. Identifiers: Orphanet 1766, MedGen C4551552, MONDO:0024542, OMIM 224050.
VLDLR-related disorder. Also called: VLDLR-related condition.

Allele frequency attached by ClinVar (database versions not stated): ESP Exome Variant Server 0.00069; gnomAD 0.00088 and 0.00090; 1000 Genomes Project 30x 0.00031; 1000 Genomes Project 0.00040; TOPMed 0.00079.

Submissions (6):

CeGaT Center for Human Genetics Tuebingen
Classification: Likely benign. Last evaluated: 2026-07-01. Review status: criteria provided, single submitter. Criteria: CeGaT Center For Human Genetics Tuebingen Variant Classification Criteria Version 2. Collection method: clinical testing. Allele origin: germline. Affected: yes. Observed: 7 variant alleles.
Comment: VLDLR: BP4, BP7

Labcorp Genetics (formerly Invitae), Labcorp
Classification: Benign. Last evaluated: 2026-01-28. Review status: criteria provided, single submitter. Criteria: Invitae Variant Classification Sherloc (09022015). Collection method: clinical testing. Allele origin: germline.

Blueprint Genetics
Classification: Likely benign. Last evaluated: 2024-11-15. Review status: criteria provided, single submitter. Criteria: ACMG Guidelines, 2015. Collection method: clinical testing. Allele origin: germline.

GeneDx
Classification: Likely benign. Last evaluated: 2020-12-01. Review status: criteria provided, single submitter. Criteria: GeneDx Variant Classification Process June 2021. Collection method: clinical testing. Allele origin: germline. Affected: yes.

Illumina Laboratory Services, Illumina
Classification: Uncertain significance for Cerebellar ataxia, impaired intellectual development, and dysequilibrium syndrome 1. Last evaluated: 2018-01-12. Review status: criteria provided, single submitter. Criteria: ICSL Variant Classification Criteria 13 December 2019. Collection method: clinical testing. Allele origin: germline.

PreventionGenetics, part of Exact Sciences
Classification: Likely benign for VLDLR-related condition. Last evaluated: 2021-08-04. Review status: no assertion criteria provided. Collection method: clinical testing. Allele origin: germline. Not counted in ClinVar's aggregate classification.
Comment: This variant is classified as likely benign based on ACMG/AMP sequence variant interpretation guidelines (Richards et al. 2015 PMID: 25741868, with internal and published modifications).